The following is an entry in ClinVar:

ClinVar aggregate classification (germline): Uncertain significance (1 of 4 stars; one submission).

Submission:

Labcorp Genetics (formerly Invitae), Labcorp
Classification: Uncertain significance. Last evaluated: 2021-08-04. Review status: criteria provided, single submitter. Criteria: Invitae Variant Classification Sherloc (09022015). Collection method: clinical testing. Allele origin: germline.
Comment: In summary, the available evidence is currently insufficient to determine the role of this variant in disease. Therefore, it has been classified as a Variant of Uncertain Significance. Algorithms developed to predict the effect of missense changes on protein structure and function are either unavailable or do not agree on the potential impact of this missense change (SIFT: "Deleterious"; PolyPhen-2: "Possibly Damaging"; Align-GVGD: "Class C0"). This variant has not been reported in the literature in individuals affected with SPEG-related conditions. This variant is not present in population databases (ExAC no frequency). This sequence change replaces glycine with aspartic acid at codon 1180 of the SPEG protein (p.Gly1180Asp). The glycine residue is highly conserved and there is a moderate physicochemical difference between glycine and aspartic acid.

NM_005876.5(SPEG):c.3539G>A (p.Gly1180Asp)

Gene: SPEG (striated muscle enriched protein kinase; plus strand). Cytogenetic location: 2q35.
Variant type: single nucleotide variant.
Coding change: c.3539G>A on transcript NM_005876.5 (MANE Select); coding-DNA position 3539, G replaced by A.
Protein change: p.Gly1180Asp; replaces glycine 1180 with aspartic acid.
Molecular consequence: missense variant.
Genome position (GRCh38, 1-based): chr2:219,469,203, G>A. VCF-style: chr2-219469203-G-A. GRCh37 (hg19) VCF-style: chr2-220333925-G-A.
Other names: short protein forms G1180D.
Identifiers: ClinVar variation 1470148 (VCV001470148.6), dbSNP rs1691652011, ClinGen allele CA350748537.